The following is an entry in ClinVar:

NM_000747.3(CHRNB1):c.1015A>G (p.Thr339Ala)

Gene: CHRNB1 (cholinergic receptor nicotinic beta 1 subunit; plus strand). Cytogenetic location: 17p13.1.
Variant type: single nucleotide variant.
Coding change: c.1015A>G on transcript NM_000747.3 (MANE Select); coding-DNA position 1015, A replaced by G.
Protein change: p.Thr339Ala; replaces threonine 339 with alanine.
Molecular consequence: missense variant.
Genome position (GRCh38, 1-based): chr17:7,454,491, A>G. VCF-style: chr17-7454491-A-G. GRCh37 (hg19) VCF-style: chr17-7357810-A-G.
Other names: short protein forms T339A.
Identifiers: ClinVar variation 578264 (VCV000578264.9), dbSNP rs775070102, ClinGen allele CA8347935.

ClinVar aggregate classification (germline): Uncertain significance. Review status: criteria provided, multiple submitters, no conflicts (2 of 4 stars). 2 submissions from 2 submitters: Uncertain significance (2). Last evaluated 2025-08-10.

Conditions:
Inborn genetic diseases. Identifiers: MedGen C0950123, MeSH D030342.
Congenital myasthenic syndrome 2A. Also called: Myasthenic syndrome, congenital, 2a, slow-channel. Identifiers: Orphanet 590, MedGen C4225374, MONDO:0014581, OMIM 616313.

Allele frequency attached by ClinVar (database versions not stated): ExAC 0.00001; gnomAD exomes 0.00001 and 0.00003; gnomAD 0.00002; TOPMed 0.00002.
gnomAD v4.1: 47 of 1,613,732 alleles (0.0029%); highest among the groups gnomAD compares: Non-Finnish European, 0.0037%; no homozygotes.

Submissions (2):

Ambry Genetics
Classification: Uncertain significance for Inborn genetic diseases. Last evaluated: 2025-08-10. Review status: criteria provided, single submitter. Criteria: Ambry Variant Classification Scheme 2023. Collection method: clinical testing. Allele origin: germline.

Labcorp Genetics (formerly Invitae), Labcorp
Classification: Uncertain significance for Congenital myasthenic syndrome 2A. Last evaluated: 2024-12-27. Review status: criteria provided, single submitter. Criteria: Invitae Variant Classification Sherloc (09022015). Collection method: clinical testing. Allele origin: germline.
Comment: This sequence change replaces threonine, which is neutral and polar, with alanine, which is neutral and non-polar, at codon 339 of the CHRNB1 protein (p.Thr339Ala). This variant is present in population databases (rs775070102, gnomAD 0.002%). This variant has not been reported in the literature in individuals affected with CHRNB1-related conditions. ClinVar contains an entry for this variant (Variation ID: 578264). Invitae Evidence Modeling of protein sequence and biophysical properties (such as structural, functional, and spatial information, amino acid conservation, physicochemical variation, residue mobility, and thermodynamic stability) indicates that this missense variant is not expected to disrupt CHRNB1 protein function with a negative predictive value of 80%. In summary, the available evidence is currently insufficient to determine the role of this variant in disease. Therefore, it has been classified as a Variant of Uncertain Significance.